The following is an entry in ClinVar:

NM_001005242.3(PKP2):c.671G>T (p.Gly224Val)

Gene: PKP2 (plakophilin 2; minus strand). Cytogenetic location: 12p11.21.
Variant type: single nucleotide variant.
Coding change: c.671G>T on transcript NM_001005242.3 (MANE Select); coding-DNA position 671, G replaced by T.
Protein change: p.Gly224Val; replaces glycine 224 with valine.
Molecular consequence: missense variant.
Genome position (GRCh38, 1-based): chr12:32,878,209, C>A on the plus strand (G>T on the coding strand, the complement: PKP2 is on the minus strand). VCF-style: chr12-32878209-C-A. GRCh37 (hg19) VCF-style: chr12-33031143-C-A.
Other names: c.671G>T, p.Gly224Val (NM_001407155.1, NM_001407156.1, NM_001407157.1 and 2 more transcripts); c.344G>T, p.Gly115Val (NM_001407158.1, NM_001407159.1, NM_001407160.1 and 1 more transcripts); short protein forms G224V, G115V.
Identifiers: ClinVar variation 1755088 (VCV001755088.7), dbSNP rs942876582, ClinGen allele CA235266383.

ClinVar aggregate classification (germline): Uncertain significance. Review status: criteria provided, multiple submitters, no conflicts (2 of 4 stars). 4 submissions from 4 submitters: Uncertain significance (4). Last evaluated 2025-06-04.

Conditions:
Cardiomyopathy (CMYO). Also called: Cardiomyopathies. Identifiers: Orphanet 167848, MedGen C0878544, MONDO:0004994, HP:0001638. Inheritance: Various modes of inheritance.
Cardiovascular phenotype. Identifiers: MedGen CN230736.
Arrhythmogenic right ventricular cardiomyopathy (ARVD). Also called: Cardiomyopathy, ARVC; Arrhythmogenic right ventricular dysplasia; Arrhythmogenic cardiomyopathy; Arrhythmogenic Right Ventricular Cardiomyopathy (ARVC). Identifiers: Orphanet 247, MedGen C0349788, MeSH D019571, MONDO:0016587. Disease mechanism: loss of function. Inheritance: Various modes of inheritance.
Arrhythmogenic right ventricular dysplasia 9 (ARVD9). Also called: Arrhythmogenic Right Ventricular Dysplasia/Cardiomyopathy 9; ARRHYTHMOGENIC RIGHT VENTRICULAR DYSPLASIA, FAMILIAL, 9. Identifiers: MedGen C1836906, MONDO:0012180, OMIM 609040.

Allele frequency attached by ClinVar (database versions not stated): TOPMed 0.00001.
gnomAD v4.1: 26 of 1,614,184 alleles (0.0016%); highest among the groups gnomAD compares: Non-Finnish European, 0.0022%; no homozygotes.

Submissions (4):

Color Diagnostics, LLC DBA Color Health
Classification: Uncertain significance for Cardiomyopathy. Last evaluated: 2025-06-04. Review status: criteria provided, single submitter. Criteria: ACMG Guidelines, 2015. Collection method: clinical testing. Allele origin: germline.
Comment: This missense variant replaces glycine with valine at codon 224 of the PKP2 protein. Computational prediction suggests that this variant may not impact protein structure and function. To our knowledge, functional studies have not been reported for this variant. This variant has been reported in an individual affected with dilated cardiomyopathy (PMID: 31983221). This variant has not been identified in the general population by the Genome Aggregation Database (gnomAD). The available evidence is insufficient to determine the role of this variant in disease conclusively. Therefore, this variant is classified as a Variant of Uncertain Significance.

Labcorp Genetics (formerly Invitae), Labcorp
Classification: Uncertain significance for Arrhythmogenic right ventricular dysplasia 9. Last evaluated: 2024-03-22. Review status: criteria provided, single submitter. Criteria: Invitae Variant Classification Sherloc (09022015). Collection method: clinical testing. Allele origin: germline.
Comment: This sequence change replaces glycine, which is neutral and non-polar, with valine, which is neutral and non-polar, at codon 224 of the PKP2 protein (p.Gly224Val). This variant is not present in population databases (gnomAD no frequency). This missense change has been observed in individual(s) with dilated cardiomyopathy (PMID: 31983221). ClinVar contains an entry for this variant (Variation ID: 1755088). An algorithm developed to predict the effect of missense changes on protein structure and function (PolyPhen-2) suggests that this variant is likely to be tolerated. In summary, the available evidence is currently insufficient to determine the role of this variant in disease. Therefore, it has been classified as a Variant of Uncertain Significance.

All of Us Research Program, National Institutes of Health
Classification: Uncertain significance for Arrhythmogenic right ventricular cardiomyopathy. Last evaluated: 2024-01-08. Review status: criteria provided, single submitter. Criteria: ACMG Guidelines, 2015. Collection method: clinical testing. Allele origin: germline. Inheritance: Autosomal dominant inheritance. Observed: 1 variant allele, 1 heterozygote.
Comment: This missense variant replaces glycine with valine at codon 224 of the PKP2 protein. Computational prediction suggests that this variant may not impact protein structure and function (internally defined REVEL score threshold <= 0.5, PMID: 27666373). To our knowledge, functional studies have not been reported for this variant. This variant has been reported in an individual affected with dilated cardiomyopathy (PMID: 31983221). This variant has not been identified in the general population by the Genome Aggregation Database (gnomAD). The available evidence is insufficient to determine the role of this variant in disease conclusively. Therefore, this variant is classified as a Variant of Uncertain Significance.

This study involves interpretation of variants in research participants for the purpose of population health screening. Participant phenotype was not available at the time of variant classification. Additional details can be found in publication PMID: 35346344, PMCID: PMC8962531

Ambry Genetics
Classification: Uncertain significance for Cardiovascular phenotype. Last evaluated: 2020-06-08. Review status: criteria provided, single submitter. Criteria: Ambry Variant Classification Scheme 2023. Collection method: clinical testing. Allele origin: germline.
Comment: The p.G224V variant (also known as c.671G>T), located in coding exon 3 of the PKP2 gene, results from a G to T substitution at nucleotide position 671. The glycine at codon 224 is replaced by valine, an amino acid with dissimilar properties. This amino acid position is well conserved in available vertebrate species. In addition, the in silico prediction for this alteration is inconclusive. Since supporting evidence is limited at this time, the clinical significance of this alteration remains unclear.

Literature cited by the submitters: PubMed 31983221 (cited by 3 submitters).